The following is an entry in ClinVar:

NM_021942.6(TRAPPC11):c.1544A>C (p.Tyr515Ser)

Gene: TRAPPC11 (trafficking protein particle complex subunit 11; plus strand). Cytogenetic location: 4q35.1.
Variant type: single nucleotide variant.
Coding change: c.1544A>C on transcript NM_021942.6 (MANE Select); coding-DNA position 1544, A replaced by C.
Protein change: p.Tyr515Ser; replaces tyrosine 515 with serine.
Molecular consequence: missense variant.
Genome position (GRCh38, 1-based): chr4:183,684,818, A>C. VCF-style: chr4-183684818-A-C. GRCh37 (hg19) VCF-style: chr4-184605971-A-C.
Other names: c.1544A>C (NM_021942.4, NM_021942.5); c.1544A>C, p.Tyr515Ser (NM_199053.3); short protein forms Y515S.
Identifiers: ClinVar variation 2151939 (VCV002151939.6), dbSNP rs757870076, ClinGen allele CA3151949.

ClinVar aggregate classification (germline): Uncertain significance. Review status: criteria provided, multiple submitters, no conflicts (2 of 4 stars). 3 submissions from 3 submitters: Uncertain significance (3). Last evaluated 2025-08-09.

Conditions:
Autosomal recessive limb-girdle muscular dystrophy type R18 (LGMDR18). Also called: Limb-girdle muscular dystrophy, type 2S; MUSCULAR DYSTROPHY, LIMB-GIRDLE, AUTOSOMAL RECESSIVE 18; Autosomal recessive limb-girdle muscular dystrophy type 2S. Identifiers: Orphanet 369840, MedGen C4517996, MONDO:0014144, OMIM 615356.
Inborn genetic diseases. Identifiers: MedGen C0950123, MeSH D030342.

Allele frequency attached by ClinVar (database versions not stated): gnomAD exomes below 0.00001; ExAC 0.00001.
gnomAD v4.1: 2 of 1,613,400 alleles (0.00012%); highest among the groups gnomAD compares: Admixed American, 0.0033%; no homozygotes.

Submissions (3):

Ambry Genetics
Classification: Uncertain significance for Inborn genetic diseases. Last evaluated: 2025-08-09. Review status: criteria provided, single submitter. Criteria: Ambry Variant Classification Scheme 2023. Collection method: clinical testing. Allele origin: germline.

GeneDx
Classification: Uncertain significance. Last evaluated: 2025-05-21. Review status: criteria provided, single submitter. Criteria: GeneDx Variant Classification Process June 2021. Collection method: clinical testing. Allele origin: germline. Affected: yes.
Comment: Not observed at significant frequency in large population cohorts (gnomAD); In silico analysis supports that this missense variant has a deleterious effect on protein structure/function; Has not been previously published as pathogenic or benign to our knowledge

Labcorp Genetics (formerly Invitae), Labcorp
Classification: Uncertain significance for Autosomal recessive limb-girdle muscular dystrophy type R18. Last evaluated: 2022-01-02. Review status: criteria provided, single submitter. Criteria: Invitae Variant Classification Sherloc (09022015). Collection method: clinical testing. Allele origin: germline.
Comment: In summary, the available evidence is currently insufficient to determine the role of this variant in disease. Therefore, it has been classified as a Variant of Uncertain Significance. Algorithms developed to predict the effect of missense changes on protein structure and function are either unavailable or do not agree on the potential impact of this missense change (SIFT: "Tolerated"; PolyPhen-2: "Possibly Damaging"; Align-GVGD: "Class C0"). This variant has not been reported in the literature in individuals affected with TRAPPC11-related conditions. This variant is present in population databases (rs757870076, gnomAD 0.006%). This sequence change replaces tyrosine, which is neutral and polar, with serine, which is neutral and polar, at codon 515 of the TRAPPC11 protein (p.Tyr515Ser).